The following is an entry in ClinVar:

NM_001211.6(BUB1B):c.47C>G (p.Ser16Cys)

Gene: BUB1B (BUB1 mitotic checkpoint serine/threonine kinase B; plus strand). Cytogenetic location: 15q15.1.
Variant type: single nucleotide variant.
Coding change: c.47C>G on transcript NM_001211.6 (MANE Select); coding-DNA position 47, C replaced by G.
Protein change: p.Ser16Cys; replaces serine 16 with cysteine.
Molecular consequence: missense variant.
Genome position (GRCh38, 1-based): chr15:40,165,064, C>G. VCF-style: chr15-40165064-C-G. GRCh37 (hg19) VCF-style: chr15-40457265-C-G.
Other names: short protein forms S16C.
Identifiers: ClinVar variation 1743176 (VCV001743176.2), dbSNP rs1364339094, ClinGen allele CA391676894.

ClinVar aggregate classification (germline): Uncertain significance (1 of 4 stars; one submission).

Conditions:
Inborn genetic diseases. Identifiers: MedGen C0950123, MeSH D030342.

gnomAD v4.1: 1 of 1,614,114 alleles (0.000062%); highest among the groups gnomAD compares: Non-Finnish European, 0.000085%; no homozygotes.

Submission:

Ambry Genetics
Classification: Uncertain significance for Inborn genetic diseases. Last evaluated: 2022-05-29. Review status: criteria provided, single submitter. Criteria: Ambry Variant Classification Scheme 2023. Collection method: clinical testing. Allele origin: germline.
Comment: The p.S16C variant (also known as c.47C>G), located in coding exon 2 of the BUB1B gene, results from a C to G substitution at nucleotide position 47. The serine at codon 16 is replaced by cysteine, an amino acid with dissimilar properties. This amino acid position is conserved. In addition, this alteration is predicted to be tolerated by in silico analysis. Since supporting evidence is limited at this time, the clinical significance of this alteration remains unclear.